The following is an entry in ClinVar:

ClinVar aggregate classification (germline): Likely pathogenic (1 of 4 stars; one submission).

Conditions:
Intellectual developmental disorder, autosomal dominant 22. Also called: Intellectual disability, autosomal dominant 22. Identifiers: MedGen CN029689, MONDO:0012869, OMIM 612337.

Submission:

Broad Center for Mendelian Genomics, Broad Institute of MIT and Harvard
Classification: Likely pathogenic for Intellectual developmental disorder, autosomal dominant 22. Last evaluated: 2022-08-25. Review status: criteria provided, single submitter. Criteria: ACMG Guidelines, 2015. Collection method: curation. Allele origin: germline. Inheritance: Autosomal recessive inheritance. Affected: yes.
Comment: Trio exome analysis showed this variant to be de novo. The p.Asp70fs variant in ZBTB18 has not been previously reported in individuals with neurodevelopmental disorders and was absent from large population studies. This variant is predicted to cause a frameshift, which alters the protein’s amino acid sequence beginning at position 70 and leads to a premature termination codon 19 amino acids downstream. This variant falls in the last exon of the gene and is more likely to escape nonsense mediated decay (NMD) and result in a truncated protein. However, the variant is precited to remove >80% of the normal protein sequence and is therefore likely to lead to loss of function. Heterozygous loss of function of the ZBTB18 gene is strongly associated to intellectual disability. In summary, although additional studies are required to fully establish its clinical significance, this variant is likely pathogenic for autosomal dominant intellectual disability. ACMG/AMP Criteria applied: PVS1_strong, PS2_supporting, PM2_supporting (Richards 2015).

NM_205768.3(ZBTB18):c.204_205del (p.Asp70fs)

Gene: ZBTB18 (zinc finger and BTB domain containing 18; plus strand). Cytogenetic location: 1q44.
Variant type: Deletion.
Coding change: c.204_205del on transcript NM_205768.3 (MANE Select); coding-DNA positions 204 to 205, 2 bases deleted (AA; older notation c.204_205delAA).
Protein change: p.Asp70fs; shifts the reading frame from aspartic acid 70.
Molecular consequence: frameshift variant.
Genome position (GRCh38, 1-based): chr1:244,053,978-244,053,979, AA deleted; deleting any 2 consecutive bases within chr1:244,053,976-244,053,979 gives the same sequence; the c. name uses the placement nearest the transcript's 3' end. VCF-style (leftmost placement, unchanged base first): chr1-244053975-CAA-C. GRCh37 (hg19) VCF-style: chr1-244217277-CAA-C.
Other names: NM_205768.3:c.204_205del; c.177_178del, p.Asp61fs (NM_001278196.2); c.177_178delAA, p.Asp61Hisfs (NM_006352.5); short protein forms D61fs, D70fs.
Identifiers: ClinVar variation 1703227 (VCV001703227.1), dbSNP rs2527555293, ClinGen allele CA2573106188.